The following is an entry in ClinVar:

ClinVar aggregate classification (germline): Uncertain significance (1 of 4 stars; one submission).

gnomAD v4.1: 2 of 1,535,748 alleles (0.00013%); highest among the groups gnomAD compares: Non-Finnish European, 0.00017%; no homozygotes.

Submission:

CeGaT Center for Human Genetics Tuebingen
Classification: Uncertain significance. Last evaluated: 2026-03-01. Review status: criteria provided, single submitter. Criteria: CeGaT Center For Human Genetics Tuebingen Variant Classification Criteria Version 2. Collection method: clinical testing. Allele origin: germline. Affected: yes. Observed: 1 variant allele.
Comment: RP1: PM2, BP4

NM_001375654.1(RP1):c.1553C>G (p.Ala518Gly)

Gene: RP1 (RP1 axonemal microtubule associated; plus strand). Cytogenetic location: 8q12.1.
Variant type: single nucleotide variant.
Coding change: c.1553C>G on transcript NM_001375654.1; coding-DNA position 1553, C replaced by G.
Protein change: p.Ala518Gly; replaces alanine 518 with glycine.
Molecular consequence: missense variant.
Genome position (GRCh38, 1-based): chr8:54,679,494, C>G. VCF-style: chr8-54679494-C-G. GRCh37 (hg19) VCF-style: chr8-55592054-C-G.
Other names: short protein forms A518G.
Identifiers: ClinVar variation 4822653 (VCV004822653.4).
Genomic context (GRCh38, chr8:54,679,494, plus strand): 5'-GGGAAGATGATTGTAAAATTGTCAGAGAACTGTATGCCAGGGATAACAGTATCTTCTCTG[C>G]GAGTAGGTATCATGTATACACATTTCCTGGAAAACTCTTTTATGATGACTGGAGAAAGCA-3'